The following is an entry in ClinVar:

NM_001371727.1(GABRB2):c.1411G>T (p.Ala471Ser)

Gene: GABRB2 (gamma-aminobutyric acid type A receptor subunit beta2; minus strand). Cytogenetic location: 5q34.
Variant type: single nucleotide variant.
Coding change: c.1411G>T on transcript NM_001371727.1 (MANE Select); coding-DNA position 1411, G replaced by T.
Protein change: p.Ala471Ser; replaces alanine 471 with serine.
Molecular consequence: missense variant.
Genome position (GRCh38, 1-based): chr5:161,294,209, C>A on the plus strand (G>T on the coding strand, the complement: GABRB2 is on the minus strand). VCF-style: chr5-161294209-C-A. GRCh37 (hg19) VCF-style: chr5-160721216-C-A.
Other names: c.1297G>T, p.Ala433Ser (NM_000813.3); c.1411G>T, p.Ala471Ser (NM_021911.3); short protein forms A433S, A471S.
Identifiers: ClinVar variation 2074392 (VCV002074392.4), dbSNP rs140153076, ClinGen allele CA362173204.

ClinVar aggregate classification (germline): Uncertain significance (1 of 4 stars; one submission).

Conditions:
Intellectual disability. Also called: Intellectual functioning disability; intellectual disabilities; Intellectual developmental disorder. Identifiers: MedGen C3714756, MeSH D008607, MONDO:0001071, HP:0001249.

Submission:

Labcorp Genetics (formerly Invitae), Labcorp
Classification: Uncertain significance for Intellectual disability. Last evaluated: 2022-07-30. Review status: criteria provided, single submitter. Criteria: Invitae Variant Classification Sherloc (09022015). Collection method: clinical testing. Allele origin: germline.
Comment: In summary, the available evidence is currently insufficient to determine the role of this variant in disease. Therefore, it has been classified as a Variant of Uncertain Significance. Advanced modeling of protein sequence and biophysical properties (such as structural, functional, and spatial information, amino acid conservation, physicochemical variation, residue mobility, and thermodynamic stability) performed at Invitae indicates that this missense variant is not expected to disrupt GABRB2 protein function. This variant has not been reported in the literature in individuals affected with GABRB2-related conditions. This variant is not present in population databases (gnomAD no frequency). This sequence change replaces alanine, which is neutral and non-polar, with serine, which is neutral and polar, at codon 471 of the GABRB2 protein (p.Ala471Ser).